The following is an entry in ClinVar:

NM_005901.6(SMAD2):c.398G>A (p.Arg133His)

Gene: SMAD2 (SMAD family member 2; minus strand). Cytogenetic location: 18q21.1.
Variant type: single nucleotide variant.
Coding change: c.398G>A on transcript NM_005901.6 (MANE Select); coding-DNA position 398, G replaced by A.
Protein change: p.Arg133His; replaces arginine 133 with histidine.
Molecular consequence: missense variant.
Genome position (GRCh38, 1-based): chr18:47,869,365, C>T on the plus strand (G>A on the coding strand, the complement: SMAD2 is on the minus strand). VCF-style: chr18-47869365-C-T. GRCh37 (hg19) VCF-style: chr18-45395736-C-T.
Other names: c.398G>A, p.Arg133His (NM_001003652.4); c.308G>A, p.Arg103His (NM_001135937.3); short protein forms R103H, R133H.
Identifiers: ClinVar variation 2633569 (VCV002633569.1), dbSNP rs2144378912, ClinGen allele CA402502095.

ClinVar aggregate classification (germline): Uncertain significance (1 of 4 stars; one submission).

Conditions:
SMAD2-related disorder. Also called: SMAD2-related condition; SMAD2-related disorders.

Allele frequency attached by ClinVar (database versions not stated): gnomAD exomes below 0.00001.
gnomAD v4.1: 1 of 1,613,028 alleles (0.000062%); highest among the groups gnomAD compares: Non-Finnish European, 0.000085%; no homozygotes.

Submission:

PreventionGenetics, part of Exact Sciences
Classification: Uncertain significance for SMAD2-related condition. Last evaluated: 2023-03-28. Review status: criteria provided, single submitter. Criteria: ACMG Guidelines, 2015. Collection method: clinical testing. Allele origin: germline.
Comment: The SMAD2 c.398G>A variant is predicted to result in the amino acid substitution p.Arg133His. To our knowledge, this variant has not been reported in the literature in individuals with SMAD2-related disorders or in a large population database, indicating this variant is rare. At this time, the clinical significance of this variant is uncertain due to the absence of conclusive functional and genetic evidence.